The following is an entry in ClinVar:

NM_001378452.1(ITPR1):c.3250C>A (p.Pro1084Thr)

Gene: ITPR1 (inositol 1,4,5-trisphosphate receptor type 1; plus strand). Cytogenetic location: 3p26.1.
Variant type: single nucleotide variant.
Coding change: c.3250C>A on transcript NM_001378452.1 (MANE Select); coding-DNA position 3250, C replaced by A.
Protein change: p.Pro1084Thr; replaces proline 1084 with threonine.
Molecular consequence: missense variant.
Genome position (GRCh38, 1-based): chr3:4,683,474, C>A. VCF-style: chr3-4683474-C-A. GRCh37 (hg19) VCF-style: chr3-4725158-C-A.
Other names: c.3223C>A, p.Pro1075Thr (NM_001099952.4); c.3205C>A, p.Pro1069Thr (NM_001168272.2); c.3178C>A, p.Pro1060Thr (NM_002222.7); short protein forms P1060T, P1084T, P1075T, P1069T.
Identifiers: ClinVar variation 4694608 (VCV004694608.1).
Genomic context (GRCh38, chr3:4,683,474, plus strand): 5'-GACCACGGCGGCAGAACCTTTCTCCGTGTCCTGCTCCACTTGACGATGCATGACTACCCA[C>A]CCCTGGTGTCAGGGGCCCTGCAGCTCCTCTTCCGGCACTTCAGCCAGAGGCAGGAGGTGC-3'
Protein context (NP_001365381.1, residues 1074-1094): LLHLTMHDYP[Pro1084Thr]LVSGALQLLF

ClinVar aggregate classification (germline): Uncertain significance (1 of 4 stars; one submission).

Submission:

Labcorp Genetics (formerly Invitae), Labcorp
Classification: Uncertain significance. Last evaluated: 2025-02-26. Review status: criteria provided, single submitter. Criteria: Invitae Variant Classification Sherloc (09022015). Collection method: clinical testing. Allele origin: germline.
Comment: This sequence change replaces proline, which is neutral and non-polar, with threonine, which is neutral and polar, at codon 1060 of the ITPR1 protein (p.Pro1060Thr). This variant is present in population databases (rs767609328, gnomAD 0.0009%). This variant has not been reported in the literature in individuals affected with ITPR1-related conditions. Invitae Evidence Modeling of protein sequence and biophysical properties (such as structural, functional, and spatial information, amino acid conservation, physicochemical variation, residue mobility, and thermodynamic stability) indicates that this missense variant is not expected to disrupt ITPR1 protein function with a negative predictive value of 80%. In summary, the available evidence is currently insufficient to determine the role of this variant in disease. Therefore, it has been classified as a Variant of Uncertain Significance.